The following is an entry in ClinVar:

ClinVar aggregate classification (germline): Benign/Likely benign. Review status: criteria provided, multiple submitters, no conflicts (2 of 4 stars). 3 submissions from 3 submitters: Benign (1); Likely benign (2). Last evaluated 2024-11-19.

Conditions:
Hereditary cancer-predisposing syndrome. Also called: Hereditary Cancer Syndrome; Neoplastic Syndromes, Hereditary; Tumor predisposition; Hereditary neoplastic syndrome. Identifiers: Orphanet 140162, MedGen C0027672, MeSH D009386, MONDO:0015356.
Familial cancer of breast. Also called: BREAST CANCER, FAMILIAL; Hereditary breast cancer; hereditary breast carcinoma. Identifiers: Orphanet 227535, MedGen C0346153, MONDO:0016419, OMIM 114480. Disease mechanism: loss of function.

Submissions (3):

Labcorp Genetics (formerly Invitae), Labcorp
Classification: Likely benign for Familial cancer of breast. Last evaluated: 2024-11-19. Review status: criteria provided, single submitter. Criteria: Invitae Variant Classification Sherloc (09022015). Collection method: clinical testing. Allele origin: germline.

Myriad Genetics, Inc.
Classification: Benign for Familial cancer of breast. Last evaluated: 2024-07-22. Review status: criteria provided, single submitter. Criteria: Myriad Autosomal Dominant, Autosomal Recessive and X-Linked Classification Criteria (2023). Collection method: clinical testing. Allele origin: unknown.
Comment: This variant is considered benign. This variant is a silent/synonymous amino acid change and it is not expected to impact splicing.

Ambry Genetics
Classification: Likely benign for Hereditary cancer-predisposing syndrome. Last evaluated: 2021-12-08. Review status: criteria provided, single submitter. Criteria: Ambry Variant Classification Scheme 2023. Collection method: clinical testing. Allele origin: germline.

NM_000465.4(BARD1):c.495C>G (p.Thr165=)

Gene: BARD1 (BRCA1 associated RING domain 1; minus strand). Cytogenetic location: 2q35.
Variant type: single nucleotide variant.
Coding change: c.495C>G on transcript NM_000465.4 (MANE Select); coding-DNA position 495, C replaced by G.
Protein change: p.Thr165=; no amino-acid change (threonine 165 retained).
Molecular consequence: synonymous variant. On other transcripts: non-coding transcript variant (2), intron variant (3).
Genome position (GRCh38, 1-based): chr2:214,781,379, G>C on the plus strand (C>G on the coding strand, the complement: BARD1 is on the minus strand). VCF-style: chr2-214781379-G-C. GRCh37 (hg19) VCF-style: chr2-215646103-G-C.
Other names: c.438C>G, p.Thr146= (NM_001282543.2); c.158+28033C>G (NM_001282548.2); c.215+15682C>G (NM_001282545.2); c.364+10918C>G (NM_001282549.2).
Identifiers: ClinVar variation 1744380 (VCV001744380.8), dbSNP rs1574821249, ClinGen allele CA431135818.